The following is an entry in ClinVar:

ClinVar aggregate classification (germline): Uncertain significance (1 of 4 stars; one submission).

Conditions:
Gorlin syndrome. Also called: Nevoid Basal Cell Carcinoma Syndrome; Basal cell nevus syndrome. Identifiers: Orphanet 377, MedGen C0004779, MONDO:0007187.

Submission:

Labcorp Genetics (formerly Invitae), Labcorp
Classification: Uncertain significance for Gorlin syndrome. Last evaluated: 2025-05-15. Review status: criteria provided, single submitter. Criteria: Invitae Variant Classification Sherloc (09022015). Collection method: clinical testing. Allele origin: germline.
Comment: This sequence change replaces serine, which is neutral and polar, with arginine, which is basic and polar, at codon 54 of the PTCH1 protein (p.Ser54Arg). This variant is not present in population databases (gnomAD no frequency). This variant has not been reported in the literature in individuals affected with PTCH1-related conditions. Invitae Evidence Modeling of protein sequence and biophysical properties (such as structural, functional, and spatial information, amino acid conservation, physicochemical variation, residue mobility, and thermodynamic stability) has been performed for this missense variant. However, the output from this modeling did not meet the statistical confidence thresholds required to predict the impact of this variant on PTCH1 protein function. RNA analysis performed to evaluate the impact of this missense change on mRNA splicing indicates it does not significantly alter splicing (internal data). In summary, the available evidence is currently insufficient to determine the role of this variant in disease. Therefore, it has been classified as a Variant of Uncertain Significance.

NM_000264.5(PTCH1):c.162C>G (p.Ser54Arg)

Gene: PTCH1 (patched 1; minus strand). Cytogenetic location: 9q22.32.
Variant type: single nucleotide variant.
Coding change: c.162C>G on transcript NM_000264.5 (MANE Select); coding-DNA position 162, C replaced by G.
Protein change: p.Ser54Arg; replaces serine 54 with arginine.
Molecular consequence: missense variant. On other transcripts: non-coding transcript variant (1), intron variant (3).
Genome position (GRCh38, 1-based): chr9:95,508,200, G>C on the plus strand (C>G on the coding strand, the complement: PTCH1 is on the minus strand). VCF-style: chr9-95508200-G-C. GRCh37 (hg19) VCF-style: chr9-98270482-G-C.
Other names: c.162C>G, p.Ser54Arg (NM_001354918.2); c.199-1601C>G (NM_001083603.3); c.4-1601C>G (NM_001083602.3, NM_001354919.2); short protein forms S54R.
Identifiers: ClinVar variation 4801813 (VCV004801813.1).